The following is an entry in ClinVar:

ClinVar aggregate classification (germline): Uncertain significance (1 of 4 stars; one submission).

Conditions:
Familial adenomatous polyposis 1 (FAP1). Also called: FAMILIAL ADENOMATOUS POLYPOSIS 1, ATTENUATED; POLYPOSIS, ADENOMATOUS INTESTINAL. Identifiers: MedGen C2713442, MONDO:0021056, OMIM 175100. Disease mechanism: loss of function.

gnomAD v4.1: 1 of 1,610,766 alleles (0.000062%); highest among the groups gnomAD compares: Non-Finnish European, 0.000085%; no homozygotes.

Submission:

Labcorp Genetics (formerly Invitae), Labcorp
Classification: Uncertain significance for Familial adenomatous polyposis 1. Last evaluated: 2024-07-08. Review status: criteria provided, single submitter. Criteria: Invitae Variant Classification Sherloc (09022015). Collection method: clinical testing. Allele origin: germline.
Comment: This sequence change replaces glutamine, which is neutral and polar, with proline, which is neutral and non-polar, at codon 181 of the APC protein (p.Gln181Pro). This variant is not present in population databases (gnomAD no frequency). This variant has not been reported in the literature in individuals affected with APC-related conditions. Advanced modeling of protein sequence and biophysical properties (such as structural, functional, and spatial information, amino acid conservation, physicochemical variation, residue mobility, and thermodynamic stability) performed at Invitae indicates that this missense variant is not expected to disrupt APC protein function with a negative predictive value of 95%. In summary, the available evidence is currently insufficient to determine the role of this variant in disease. Therefore, it has been classified as a Variant of Uncertain Significance.

NM_000038.6(APC):c.542A>C (p.Gln181Pro)

Gene: APC (APC regulator of Wnt signaling pathway; plus strand). Cytogenetic location: 5q22.2.
Variant type: single nucleotide variant.
Coding change: c.542A>C on transcript NM_000038.6 (MANE Select); coding-DNA position 542, A replaced by C.
Protein change: p.Gln181Pro; replaces glutamine 181 with proline.
Molecular consequence: missense variant. On other transcripts: 5 prime UTR variant (4), non-coding transcript variant (2).
Genome position (GRCh38, 1-based): chr5:112,780,800, A>C. VCF-style: chr5-112780800-A-C. GRCh37 (hg19) VCF-style: chr5-112116497-A-C.
Other names: c.542A>C, p.Gln181Pro (NM_001127510.3, NM_001354895.2, NM_001354896.2 and 16 more transcripts); c.572A>C, p.Gln191Pro (NM_001127511.3, NM_001354897.2, NM_001354902.2 and 1 more transcripts); c.467A>C, p.Gln156Pro (NM_001354898.2, NM_001354904.2, NM_001407451.1); c.365A>C, p.Gln122Pro (NM_001354900.2, NM_001354901.2, NM_001354905.2 and 1 more transcripts); c.-494A>C (NM_001354906.2, NM_001407470.1, NM_001407471.1 and 1 more transcripts); short protein forms Q122P, Q156P, Q181P, Q191P.
Identifiers: ClinVar variation 3635398 (VCV003635398.2).